The following is an entry in ClinVar:

ClinVar aggregate classification (germline): Uncertain significance (1 of 4 stars; one submission).

Conditions:
Deficiency of acetyl-CoA acetyltransferase. Also called: MITOCHONDRIAL ACETOACETYL-CoA THIOLASE DEFICIENCY; Beta-ketothiolase deficiency; 3-KETOTHIOLASE DEFICIENCY; 3-OXOTHIOLASE DEFICIENCY. Identifiers: Orphanet 134, MedGen C1536500, MONDO:0008760, OMIM 203750. Disease mechanism: loss of function.

Submission:

Labcorp Genetics (formerly Invitae), Labcorp
Classification: Uncertain significance for Deficiency of acetyl-CoA acetyltransferase. Last evaluated: 2022-06-14. Review status: criteria provided, single submitter. Criteria: Invitae Variant Classification Sherloc (09022015). Collection method: clinical testing. Allele origin: germline.
Comment: In summary, the available evidence is currently insufficient to determine the role of this variant in disease. Therefore, it has been classified as a Variant of Uncertain Significance. Experimental studies and prediction algorithms are not available or were not evaluated, and the functional significance of this variant is currently unknown. This variant has not been reported in the literature in individuals affected with ACAT1-related conditions. This variant is not present in population databases (gnomAD no frequency). This variant, c.744_746del, results in the deletion of 1 amino acid(s) of the ACAT1 protein (p.Val250del), but otherwise preserves the integrity of the reading frame.

NM_000019.4(ACAT1):c.744_746del (p.Val250del)

Gene: ACAT1 (acetyl-CoA acetyltransferase 1; plus strand). Cytogenetic location: 11q22.3.
Variant type: Deletion.
Coding change: c.744_746del on transcript NM_000019.4 (MANE Select); coding-DNA positions 744 to 746, 3 bases deleted (AGT; older notation c.744_746delAGT).
Protein change: p.Val250del; deletes valine 250.
Molecular consequence: inframe deletion. On other transcripts: non-coding transcript variant (2).
Genome position (GRCh38, 1-based): chr11:108,141,618-108,141,620, AGT deleted; deleting any 3 consecutive bases within chr11:108,141,616-108,141,620 gives the same sequence; the c. name uses the placement nearest the transcript's 3' end. VCF-style (leftmost placement, unchanged base first): chr11-108141615-TGTA-T. GRCh37 (hg19) VCF-style: chr11-108012342-TGTA-T.
Other names: c.744_746del, p.Val250del (NM_001386677.1); c.429_431del, p.Val145del (NM_001386678.1); c.447_449del, p.Val151del (NM_001386679.1); c.474_476del, p.Val160del (NM_001386681.1, NM_001386682.1, NM_001386685.1 and 6 more transcripts); short protein forms V145del, V160del, V250del, V151del.
Identifiers: ClinVar variation 2006081 (VCV002006081.4), dbSNP rs2496630843, ClinGen allele CA2580083518.